The following is an entry in ClinVar:

ClinVar aggregate classification (germline): Uncertain significance. Review status: criteria provided, multiple submitters, no conflicts (2 of 4 stars). 4 submissions from 4 submitters: Uncertain significance (3). 1 of the submissions does not count toward it. Last evaluated 2025-01-18.

Conditions:
Autosomal recessive osteopetrosis 1. Also called: ALBERS-SCHONBERG DISEASE, AUTOSOMAL RECESSIVE; TCIRG1-Related Osteopetrosis; TCIRG1-Related Autosomal Recessive Osteopetrosis. Identifiers: Orphanet 667, MedGen C1850127, MONDO:0009815, OMIM 259700.
Inborn genetic diseases. Identifiers: MedGen C0950123, MeSH D030342.

Allele frequency attached by ClinVar (database versions not stated): ExAC 0.00002; gnomAD exomes 0.00002 and 0.00004; gnomAD 0.00005; TOPMed 0.00005.
gnomAD v4.1: 71 of 1,613,342 alleles (0.0044%); highest among the groups gnomAD compares: African/African-American, 0.011%; no homozygotes.

Submissions (4):

Labcorp Genetics (formerly Invitae), Labcorp
Classification: Uncertain significance. Last evaluated: 2025-01-18. Review status: criteria provided, single submitter. Criteria: Invitae Variant Classification Sherloc (09022015). Collection method: clinical testing. Allele origin: germline.
Comment: This sequence change replaces valine, which is neutral and non-polar, with methionine, which is neutral and non-polar, at codon 782 of the TCIRG1 protein (p.Val782Met). This variant is present in population databases (rs779910642, gnomAD 0.01%). This variant has not been reported in the literature in individuals affected with TCIRG1-related conditions. ClinVar contains an entry for this variant (Variation ID: 991515). Invitae Evidence Modeling of protein sequence and biophysical properties (such as structural, functional, and spatial information, amino acid conservation, physicochemical variation, residue mobility, and thermodynamic stability) indicates that this missense variant is not expected to disrupt TCIRG1 protein function with a negative predictive value of 80%. In summary, the available evidence is currently insufficient to determine the role of this variant in disease. Therefore, it has been classified as a Variant of Uncertain Significance.

Ambry Genetics
Classification: Uncertain significance for Inborn genetic diseases. Last evaluated: 2023-05-31. Review status: criteria provided, single submitter. Criteria: Ambry Variant Classification Scheme 2023. Collection method: clinical testing. Allele origin: germline.

Fulgent Genetics
Classification: Uncertain significance for Autosomal recessive osteopetrosis 1. Last evaluated: 2022-04-25. Review status: criteria provided, single submitter. Criteria: ACMG Guidelines, 2015. Collection method: clinical testing. Allele origin: unknown.

Natera, Inc.
Classification: Uncertain significance for Infantile malignant osteopetrosis. Last evaluated: 2020-04-16. Review status: no assertion criteria provided. Collection method: clinical testing. Allele origin: germline. Not counted in ClinVar's aggregate classification.

NM_006019.4(TCIRG1):c.2344G>A (p.Val782Met)

Gene: TCIRG1 (T cell immune regulator 1, ATPase H+ transporting V0 subunit a3; plus strand). Cytogenetic location: 11q13.2.
Variant type: single nucleotide variant.
Coding change: c.2344G>A on transcript NM_006019.4 (MANE Select); coding-DNA position 2344, G replaced by A.
Protein change: p.Val782Met; replaces valine 782 with methionine.
Molecular consequence: missense variant.
Genome position (GRCh38, 1-based): chr11:68,050,594, G>A. VCF-style: chr11-68050594-G-A. GRCh37 (hg19) VCF-style: chr11-67818061-G-A.
Other names: c.1450G>A, p.Val484Met (NM_001351059.2); c.1696G>A, p.Val566Met (NM_006053.4); c.2344G>A (NM_006019.3); short protein forms V484M, V566M, V782M.
Identifiers: ClinVar variation 991515 (VCV000991515.7), dbSNP rs779910642, ClinGen allele CA6147507.